The following is an entry in ClinVar:

ClinVar aggregate classification (germline): Uncertain significance. Review status: criteria provided, multiple submitters, no conflicts (2 of 4 stars). 2 submissions from 2 submitters: Uncertain significance (2). Last evaluated 2025-05-01.

Conditions:
Hereditary cancer-predisposing syndrome. Also called: Tumor predisposition; Hereditary neoplastic syndrome; Hereditary Cancer Syndrome; Neoplastic Syndromes, Hereditary. Identifiers: Orphanet 140162, MedGen C0027672, MeSH D009386, MONDO:0015356.
Familial cancer of breast. Also called: BREAST CANCER, FAMILIAL; Hereditary breast cancer; hereditary breast carcinoma. Identifiers: Orphanet 227535, MedGen C0346153, MONDO:0016419, OMIM 114480. Disease mechanism: loss of function.

Allele frequency attached by ClinVar (database versions not stated): TOPMed below 0.00001.

Submissions (2):

Ambry Genetics
Classification: Uncertain significance for Hereditary cancer-predisposing syndrome. Last evaluated: 2025-05-01. Review status: criteria provided, single submitter. Criteria: Ambry Variant Classification Scheme 2023. Collection method: clinical testing. Allele origin: germline.
Comment: The p.Q330R variant (also known as c.989A>G), located in coding exon 8 of the CHEK2 gene, results from an A to G substitution at nucleotide position 989. The glutamine at codon 330 is replaced by arginine, an amino acid with highly similar properties. This amino acid position is highly conserved in available vertebrate species. In addition, this alteration is predicted to be deleterious by in silico analysis. Based on the available evidence, the clinical significance of this variant remains unclear.

Labcorp Genetics (formerly Invitae), Labcorp
Classification: Uncertain significance for Familial cancer of breast. Last evaluated: 2024-09-15. Review status: criteria provided, single submitter. Criteria: Invitae Variant Classification Sherloc (09022015). Collection method: clinical testing. Allele origin: germline.
Comment: This sequence change replaces glutamine, which is neutral and polar, with arginine, which is basic and polar, at codon 330 of the CHEK2 protein (p.Gln330Arg). This variant is not present in population databases (gnomAD no frequency). This variant has not been reported in the literature in individuals affected with CHEK2-related conditions. ClinVar contains an entry for this variant (Variation ID: 963527). An algorithm developed to predict the effect of missense changes on protein structure and function (PolyPhen-2) suggests that this variant is likely to be disruptive. In summary, the available evidence is currently insufficient to determine the role of this variant in disease. Therefore, it has been classified as a Variant of Uncertain Significance.

NM_007194.4(CHEK2):c.989A>G (p.Gln330Arg)

Gene: CHEK2 (checkpoint kinase 2; minus strand). Cytogenetic location: 22q12.1.
Variant type: single nucleotide variant.
Coding change: c.989A>G on transcript NM_007194.4 (MANE Select); coding-DNA position 989, A replaced by G.
Protein change: p.Gln330Arg; replaces glutamine 330 with arginine.
Molecular consequence: missense variant.
Genome position (GRCh38, 1-based): chr22:28,699,857, T>C on the plus strand (A>G on the coding strand, the complement: CHEK2 is on the minus strand). VCF-style: chr22-28699857-T-C. GRCh37 (hg19) VCF-style: chr22-29095845-T-C.
Other names: c.1118A>G, p.Gln373Arg (NM_001005735.3); c.326A>G, p.Gln109Arg (NM_001257387.3); c.788A>G, p.Gln263Arg (NM_001349956.3); c.989A>G, p.Gln330Arg (NM_145862.3); short protein forms Q109R, Q373R, Q263R, Q330R.
Identifiers: ClinVar variation 963527 (VCV000963527.12), dbSNP rs894075046, ClinGen allele CA323009469.